The following is an entry in ClinVar:

ClinVar aggregate classification (germline): Uncertain significance (1 of 4 stars; one submission).

Conditions:
Progressive sclerosing poliodystrophy (MTDPS4A). Also called: ALPERS PROGRESSIVE INFANTILE POLIODYSTROPHY; NEURONAL DEGENERATION OF CHILDHOOD WITH LIVER DISEASE, PROGRESSIVE; Alpers Syndrome; ALPERS DIFFUSE DEGENERATION OF CEREBRAL GRAY MATTER WITH HEPATIC CIRRHOSIS; Alpers-Huttenlocher Syndrome; Mitochondrial DNA Depletion Syndrome 4A. Identifiers: Orphanet 726, MedGen C0205710, MONDO:0008758, OMIM 203700.

Submission:

Labcorp Genetics (formerly Invitae), Labcorp
Classification: Uncertain significance for Progressive sclerosing poliodystrophy. Last evaluated: 2024-06-11. Review status: criteria provided, single submitter. Criteria: Invitae Variant Classification Sherloc (09022015). Collection method: clinical testing. Allele origin: germline.
Comment: This sequence change replaces serine, which is neutral and polar, with leucine, which is neutral and non-polar, at codon 615 of the POLG protein (p.Ser615Leu). This variant is not present in population databases (gnomAD no frequency). This variant has not been reported in the literature in individuals affected with POLG-related conditions. Advanced modeling of protein sequence and biophysical properties (such as structural, functional, and spatial information, amino acid conservation, physicochemical variation, residue mobility, and thermodynamic stability) has been performed at Invitae for this missense variant, however the output from this modeling did not meet the statistical confidence thresholds required to predict the impact of this variant on POLG protein function. In summary, the available evidence is currently insufficient to determine the role of this variant in disease. Therefore, it has been classified as a Variant of Uncertain Significance.

NM_002693.3(POLG):c.1844C>T (p.Ser615Leu)

Gene: POLG (DNA polymerase gamma, catalytic subunit; minus strand). Cytogenetic location: 15q26.1.
Variant type: single nucleotide variant.
Coding change: c.1844C>T on transcript NM_002693.3 (MANE Select); coding-DNA position 1844, C replaced by T.
Protein change: p.Ser615Leu; replaces serine 615 with leucine.
Molecular consequence: missense variant.
Genome position (GRCh38, 1-based): chr15:89,325,555, G>A on the plus strand (C>T on the coding strand, the complement: POLG is on the minus strand). VCF-style: chr15-89325555-G-A. GRCh37 (hg19) VCF-style: chr15-89868786-G-A.
Other names: c.1844C>T, p.Ser615Leu (NM_001126131.2); short protein forms S615L.
Identifiers: ClinVar variation 2834186 (VCV002834186.3), dbSNP rs2509248864, ClinGen allele CA393759243.